The following is an entry in ClinVar:

ClinVar aggregate classification (germline): Pathogenic (1 of 4 stars; one submission).

Conditions:
Familial adenomatous polyposis 1 (FAP1). Also called: FAMILIAL ADENOMATOUS POLYPOSIS 1, ATTENUATED; POLYPOSIS, ADENOMATOUS INTESTINAL. Identifiers: MedGen C2713442, MONDO:0021056, OMIM 175100. Disease mechanism: loss of function.

Submission:

Myriad Genetics, Inc.
Classification: Pathogenic for Familial adenomatous polyposis 1. Last evaluated: 2023-05-08. Review status: criteria provided, single submitter. Criteria: Myriad Autosomal Dominant, Autosomal Recessive and X-Linked Classification Criteria (2023). Collection method: clinical testing. Allele origin: unknown.
Comment: This variant is considered pathogenic. This variant creates a frameshift predicted to result in premature protein truncation.

NM_000038.6(APC):c.3279del (p.Phe1093fs)

Gene: APC (APC regulator of Wnt signaling pathway; plus strand). Cytogenetic location: 5q22.2.
Variant type: Deletion.
Coding change: c.3279del on transcript NM_000038.6 (MANE Select); coding-DNA position 3279, one base deleted (T; older notation c.3279delT).
Protein change: p.Phe1093fs; shifts the reading frame from phenylalanine 1093.
Molecular consequence: frameshift variant. On other transcripts: non-coding transcript variant (2).
Genome position (GRCh38, 1-based): chr5:112,838,873, T deleted; the last of 4 consecutive T bases (chr5:112,838,870-112,838,873); deleting any one gives the same sequence. VCF-style (leftmost placement, unchanged base first): chr5-112838869-AT-A. GRCh37 (hg19) VCF-style: chr5-112174566-AT-A.
Other names: c.3279del, p.Phe1093fs (NM_001127510.3, NM_001354895.2, NM_001407450.1); c.3225del, p.Phe1075fs (NM_001127511.3); c.3333del, p.Phe1111fs (NM_001354896.2, NM_001407447.1, NM_001407448.1 and 1 more transcripts); c.3309del, p.Phe1103fs (NM_001354897.2); c.3204del, p.Phe1068fs (NM_001354898.2); c.3195del, p.Phe1065fs (NM_001354899.2); c.3156del, p.Phe1052fs (NM_001354900.2); c.3102del, p.Phe1034fs (NM_001354901.2, NM_001407453.1); and 11 more; short protein forms F1002fs, F1010fs, F1034fs, F1052fs, F1065fs, F1068fs, F1075fs, F1083fs.
Identifiers: ClinVar variation 2584069 (VCV002584069.1), dbSNP rs2533485683, ClinGen allele CA658760900.